The following is an entry in ClinVar:

ClinVar aggregate classification (germline): Pathogenic. Review status: reviewed by expert panel (3 of 4 stars). 4 submissions from 4 submitters: Pathogenic (1). 3 of the submissions do not count toward it. Last evaluated 2022-02-11.

Conditions:
Overgrowth syndrome and/or cerebral malformations due to abnormalities in MTOR pathway genes. Identifiers: MedGen CN300503, MONDO:0100283.
Isolated focal cortical dysplasia type II (FCORD2). Also called: Focal cortical dysplasia type II; CORTICAL DYSPLASIA OF TAYLOR. Identifiers: Orphanet 268994, MedGen C1846385, MONDO:0011818, OMIM 607341, HP:0032051.

Submissions (4):

ClinGen Brain Malformations Variant Curation Expert Panel
Classification: Pathogenic for Overgrowth syndrome and/or cerebral malformations due to abnormalities in MTOR pathway genes. Last evaluated: 2022-02-11. Review status: reviewed by expert panel. Criteria: ClinGen BrainMalform ACMG Specifications v1. Collection method: curation. Allele origin: germline. Inheritance: Autosomal dominant inheritance.
Comment: The c.4379T>C (NM_004958.4) variant in MTOR is a missense variant predicted to cause substitution of (p.Leu1460Pro). This variant is absent from gnomAD v2.1.1 (PM2_Supporting). MTOR, in which the variant was identified, is defined by the ClinGen Brain Malformations Expert Panel as a gene that has a low rate of benign missense variation and where pathogenic missense variants are a common mechanism of disease (PP2). This variant resides within the kinase domain of MTOR that is defined as a critical functional domain by the ClinGen BMEP (PMIDs: 23322780, 27482884, 21210909) (PM1_Supporting). This variant has been shown to significantly increase phosphorylation levels in experiments with case and controls cells of similar isogenic backgrounds indicating that this variant impacts protein function (PMID: 27159400) (PS3_Supporting). The prevalence of the variant in affected individuals is significantly increased compared with the prevalence in controls (PS4; PMIDs: 26018084, 29281825, 27159400, 26831717; 3 individuals with neuropathology confirmatory of a malformation of cortical development, 1 individual with neuroimaging appearance consistent with a malformation of cortical development (without neuropathology), 4 tumor samples in the literature and COSMIC ). Testing of unaffected and affected tissue show variable allelic fractions consistent with a post-zygotic event (PS2_Moderate; PMID: 29281825, 26018084, 27159400). In summary, this variant meets the criteria to be classified as Pathogenic for mosaic autosomal dominant overgrowth with or without cerebral malformations due to abnormalities in MTOR-pathway genes based on the ACMG/AMP criteria applied, as specified by the ClinGen Brain Malformations Expert Panel: PM2_P, PP2, PM1_P, PS3_P, PS4, PS2_M; 10 points (VCEP specifications version 1; Approved: 1/31/2021)

Human Genome Lab, NIMHANS, National Institute of Mental Health and Neuro Sciences
Classification: Pathogenic for Isolated focal cortical dysplasia type II. Last evaluated: 2025-10-30. Review status: criteria provided, single submitter. Criteria: ACMG Guidelines, 2015. Collection method: clinical testing. Allele origin: somatic. Affected: yes. Observed: 1 variant allele, 1 mosaic individual. Not counted in ClinVar's aggregate classification.
Comment: The missense variant NM_004958.4(MTOR):c.4379T>C (p.Leu1460Pro) causes the same amino acid change as a previously established pathogenic variant. The p.Leu1460Pro variant is novel (not in any individuals) in 1kG All. The p.Leu1460Pro variant is novel (not in any individuals) in gnomAD. There is a moderate physicochemical difference between leucine and proline. The gene MTOR has a low rate of benign missense variation as indicated by a high missense variants Z-Score of 9.49. The gene MTOR contains 52 pathogenic missense variants, indicating that missense variants are a common mechanism of disease in this gene. 3 variants within 6 amino acid positions of the variant p.Leu1460Pro have been shown to be pathogenic, while none have been shown to be benign. The p.Leu1460Pro missense variant is predicted to be damaging by both SIFT and PolyPhen2. The leucine residue at codon 1460 of MTOR is conserved in all mammalian species. The nucleotide c.4379 in MTOR is predicted conserved by GERP++ and PhyloP across 100 vertebrates. (ACMG Criteria: PM2,PP2,PM1,PS1,PP3)

Clinical Genomics Laboratory, Washington University in St. Louis
Classification: Pathogenic for Isolated focal cortical dysplasia type II. Last evaluated: 2024-09-12. Review status: criteria provided, single submitter. Criteria: Leon-Quintero et al. (Clin Genet. 2025). Collection method: clinical testing. Allele origin: somatic. Affected: yes. Not counted in ClinVar's aggregate classification.
Comment: An MTOR c.4379T>C (p.Leu1460Pro) variant was identified at an allelic fraction consistent with somatic origin. This variant has been reported in several patients with focal cortical dysplasia, type II (Moller RS et al., PMID: 27830187; Nakashima M, et al., PMID: 26018084; Guerrini R et al., PMID: 33542949; D'Gama AM et al., PMID: 29281825) as well as in numerous cases in the cancer database COSMIC (COSV63868845). It is absent in the general population database (gnomAD v.4.1.0), indicating it is not a common variant. The MTOR c.4379T>C (p.Leu1460Pro) variant resides within the FAT domain of MTOR that is defined as a critical functional domain for kinase activity (Murugan AK et al., PMID: 23322780; Xu J et al., PMID: 27482884; Hardt M et al., PMID: 21210909). Computational predictors indicate that the variant is damaging, evidence that correlates with impact to MTOR function. In support of this prediction, functional studies shown the MTOR c.4379T>C (p.Leu1460Pro) to significantly increase phosphorylation levels in experiments with case and control cells of similar isogenic backgrounds (Mirzaa GM et al., PMID: 27159400). The MTOR gene is defined by the ClinGen Brain Malformations expert panel as a gene that has a low rate of benign missense variation and where pathogenic missense variants are a common mechanism of disease. Based on available information and an internally developed protocol informed by the ACMG/AMP guidelines for variant interpretation and gene-specific practices from the ClinGen Criteria Specification Registry (Leon-Quintero FZ et al., PMID: 39434542), the MTOR c.4379T>C (p.Leu1460Pro) variant is classified as pathogenic.

OMIM
Classification: Pathogenic for FOCAL CORTICAL DYSPLASIA, TYPE II, SOMATIC. Last evaluated: 2017-04-11. Review status: no assertion criteria provided. Collection method: literature only. Allele origin: somatic. Not counted in ClinVar's aggregate classification.

Literature cited by the submitters: PubMed 27482884 (cited by ClinGen Brain Malformations Variant Curation Expert Panel); PubMed 26018084 (cited by ClinGen Brain Malformations Variant Curation Expert Panel and OMIM); PubMed 17360675 (cited by ClinGen Brain Malformations Variant Curation Expert Panel); PubMed 29281825 (cited by ClinGen Brain Malformations Variant Curation Expert Panel); PubMed 27159400 (cited by ClinGen Brain Malformations Variant Curation Expert Panel); PubMed 24631838 (cited by ClinGen Brain Malformations Variant Curation Expert Panel).

NM_004958.4(MTOR):c.4379T>C (p.Leu1460Pro)

Gene: MTOR (mechanistic target of rapamycin kinase; minus strand). Cytogenetic location: 1p36.22.
Variant type: single nucleotide variant.
Coding change: c.4379T>C on transcript NM_004958.4 (MANE Select); coding-DNA position 4379, T replaced by C.
Protein change: p.Leu1460Pro; replaces leucine 1460 with proline.
Molecular consequence: missense variant.
Genome position (GRCh38, 1-based): chr1:11,157,242, A>G on the plus strand (T>C on the coding strand, the complement: MTOR is on the minus strand). VCF-style: chr1-11157242-A-G. GRCh37 (hg19) VCF-style: chr1-11217299-A-G.
Other names: NM_004958.3(MTOR):c.4379T>C; p.Leu1460Pro; NM_004958.4(MTOR):c.4379T>C; c.4379T>C (LRG_734t1); short protein forms L1460P.
Identifiers: ClinVar variation 376130 (VCV000376130.7), dbSNP rs1057519779, ClinGen allele CA16602588.